The following is an entry in ClinVar:

NM_000535.7(PMS2):c.1920A>G (p.Glu640=)

Gene: PMS2 (PMS1 homolog 2, mismatch repair system component; minus strand). Cytogenetic location: 7p22.1.
Variant type: single nucleotide variant.
Coding change: c.1920A>G on transcript NM_000535.7 (MANE Select); coding-DNA position 1920, A replaced by G.
Protein change: p.Glu640=; no amino-acid change (glutamic acid 640 retained).
Molecular consequence: synonymous variant. On other transcripts: non-coding transcript variant (1).
Genome position (GRCh38, 1-based): chr7:5,986,845, T>C on the plus strand (A>G on the coding strand, the complement: PMS2 is on the minus strand). VCF-style: chr7-5986845-T-C. GRCh37 (hg19) VCF-style: chr7-6026476-T-C.
Other names: c.1515A>G, p.Glu505= (NM_001322003.2, NM_001322004.2, NM_001322005.2 and 1 more transcripts); c.1764A>G, p.Glu588= (NM_001322006.2); c.1602A>G, p.Glu534= (NM_001322007.2, NM_001322008.2); c.1359A>G, p.Glu453= (NM_001322010.2); c.987A>G, p.Glu329= (NM_001322011.2, NM_001322012.2); c.1347A>G, p.Glu449= (NM_001322013.2); c.1920A>G, p.Glu640= (NM_001322014.2); c.1611A>G, p.Glu537= (NM_001322015.2).
Identifiers: ClinVar variation 411020 (VCV000411020.52), dbSNP rs1060503113, ClinGen allele CA16612117.
Genomic context (GRCh38, chr7:5,986,845, plus strand): 5'-GGCTGCTTGATTTTCTCCAGGACAAATCTTTGCCCTAAACTTCCTGTAATTCTGTTCCCC[T>C]TCACTTTGCTGTGCTTCATGATGTAACTGCTTTATTCGTTTAGCTAAAGAACTCATAGAA-3'
Protein context (NP_000526.2, residues 630-650): KQLHHEAQQS[Glu640=]GEQNYRKFRA

ClinVar aggregate classification (germline): Conflicting classifications of pathogenicity. Review status: criteria provided, conflicting classifications (1 of 4 stars). 4 submissions from 4 submitters: Uncertain significance (1); Benign (1); Likely benign (2). Last evaluated 2025-01-31.

Conditions:
Lynch syndrome 4 (LYNCH4). Also called: Colorectal cancer, hereditary nonpolyposis, type 4; Hereditary non-polyposis colorectal cancer, type 4. Identifiers: Orphanet 144, MedGen C1838333, MONDO:0013699, OMIM 614337. Disease mechanism: loss of function.
Hereditary cancer-predisposing syndrome. Also called: Tumor predisposition; Hereditary Cancer Syndrome; Hereditary neoplastic syndrome; Neoplastic Syndromes, Hereditary. Identifiers: Orphanet 140162, MedGen C0027672, MeSH D009386, MONDO:0015356.
Hereditary nonpolyposis colorectal neoplasms. Identifiers: MedGen C0009405, MeSH D003123.

Allele frequency attached by ClinVar (database versions not stated): gnomAD exomes below 0.00001.

Submissions (4):

Myriad Genetics, Inc.
Classification: Benign for Lynch syndrome 4. Last evaluated: 2025-01-31. Review status: criteria provided, single submitter. Criteria: Myriad Autosomal Dominant, Autosomal Recessive and X-Linked Classification Criteria (2023). Collection method: clinical testing. Allele origin: unknown.
Comment: This variant is considered benign. This variant is a silent/synonymous amino acid change and it is not expected to impact splicing.

Labcorp Genetics (formerly Invitae), Labcorp
Classification: Likely benign for Hereditary nonpolyposis colorectal neoplasms. Last evaluated: 2024-02-23. Review status: criteria provided, single submitter. Criteria: Invitae Variant Classification Sherloc (09022015). Collection method: clinical testing. Allele origin: germline.

Ambry Genetics
Classification: Likely benign for Hereditary cancer-predisposing syndrome. Last evaluated: 2020-07-16. Review status: criteria provided, single submitter. Criteria: Ambry Variant Classification Scheme 2023. Collection method: clinical testing. Allele origin: germline.

GeneDx
Classification: Uncertain significance. Last evaluated: 2019-11-20. Review status: criteria provided, single submitter. Criteria: GeneDx Variant Classification Process June 2021. Collection method: clinical testing. Allele origin: germline. Affected: yes.
Comment: Not observed in large population cohorts (Lek 2016); Has not been previously published as pathogenic or benign to our knowledge; In silico analysis, which includes splice predictors and evolutionary conservation, suggests this variant may impact gene splicing. In the absence of RNA/functional studies, the actual effect of this sequence change is unknown.